The following is an entry in ClinVar:

NM_001303256.3(MORC2):c.2193+7C>T

Gene: MORC2 (MORC family CW-type zinc finger 2; minus strand). Cytogenetic location: 22q12.2.
Variant type: single nucleotide variant.
Coding change: c.2193+7C>T on transcript NM_001303256.3 (MANE Select); 7 bases into the intron after coding-DNA position 2193, C replaced by T.
Molecular consequence: intron variant.
Genome position (GRCh38, 1-based): chr22:30,934,774, G>A on the plus strand (C>T on the coding strand, the complement: MORC2 is on the minus strand). VCF-style: chr22-30934774-G-A. GRCh37 (hg19) VCF-style: chr22-31330761-G-A.
Other names: c.2193+7C>T (NM_001303257.2, NM_001303256.2); c.2007+7C>T (NM_014941.3).
Identifiers: ClinVar variation 1969827 (VCV001969827.6), dbSNP rs773059480, ClinGen allele CA10186754.

ClinVar aggregate classification (germline): Likely benign. Review status: criteria provided, multiple submitters, no conflicts (2 of 4 stars). 2 submissions from 2 submitters: Likely benign (2). Last evaluated 2026-03-12.

Conditions:
MORC2-related disorder. Also called: MORC2-related condition.
Charcot-Marie-Tooth disease axonal type 2Z. Also called: CHARCOT-MARIE-TOOTH DISEASE, AXONAL, AUTOSOMAL DOMINANT, TYPE 2Z; CHARCOT-MARIE-TOOTH NEUROPATHY, TYPE 2Z. Identifiers: Orphanet 466768, MedGen C5569025, MONDO:0014736, OMIM 616688.

Allele frequency attached by ClinVar (database versions not stated): gnomAD 0.00003; TOPMed 0.00006; ExAC 0.00007.

Submissions (2):

PreventionGenetics, part of Exact Sciences
Classification: Likely benign for MORC2-related condition. Last evaluated: 2026-03-12. Review status: criteria provided, single submitter. Criteria: ACMG Guidelines, 2015. Collection method: clinical testing. Allele origin: germline.
Comment: This variant is classified as likely benign based on ACMG/AMP sequence variant interpretation guidelines (Richards et al. 2015 PMID: 25741868, with internal and published modifications).

Labcorp Genetics (formerly Invitae), Labcorp
Classification: Likely benign for Charcot-Marie-Tooth disease axonal type 2Z. Last evaluated: 2024-05-19. Review status: criteria provided, single submitter. Criteria: Invitae Variant Classification Sherloc (09022015). Collection method: clinical testing. Allele origin: germline.